The following is an entry in ClinVar:

NM_000088.4(COL1A1):c.3799T>C (p.Ser1267Pro)

Gene: COL1A1 (collagen type I alpha 1 chain; minus strand). Cytogenetic location: 17q21.33.
Variant type: single nucleotide variant.
Coding change: c.3799T>C on transcript NM_000088.4 (MANE Select); coding-DNA position 3799, T replaced by C.
Protein change: p.Ser1267Pro; replaces serine 1267 with proline.
Molecular consequence: missense variant.
Genome position (GRCh38, 1-based): chr17:50,186,655, A>G on the plus strand (T>C on the coding strand, the complement: COL1A1 is on the minus strand). VCF-style: chr17-50186655-A-G. GRCh37 (hg19) VCF-style: chr17-48264016-A-G.
Other names: short protein forms S1267P.
Identifiers: ClinVar variation 4692174 (VCV004692174.1).
Genomic context (GRCh38, chr17:50,186,655, plus strand): 5'-CATGGCAGGAGTAGGAGGGAGGGAGAGGCTAGGGCAGGCCCTCACCACTCTTCCAGTCAG[A>G]GTGGCACATCTTGAGGTCACGGCAGGTGCGGGCGGGGTTCTTGCGGCTGCCCTCTGGGCT-3'
Protein context (NP_000079.2, residues 1257-1277): RTCRDLKMCH[Ser1267Pro]DWKSGEYWID

ClinVar aggregate classification (germline): Uncertain significance (1 of 4 stars; one submission).

Conditions:
Osteogenesis imperfecta type I (OI1). Also called: OI, TYPE I; OSTEOGENESIS IMPERFECTA TARDA; OSTEOGENESIS IMPERFECTA WITH BLUE SCLERAE; Osteogenesis imperfecta type 1; Lobstein's Disease; Lobstein disease. Identifiers: Orphanet 216796, Orphanet 666, MedGen C0023931, MONDO:0008146, OMIM 166200. Disease mechanism: loss of function.

gnomAD v4.1: 1 of 1,613,498 alleles (0.000062%); highest among the groups gnomAD compares: Non-Finnish European, 0.000085%; no homozygotes.

Submission:

Labcorp Genetics (formerly Invitae), Labcorp
Classification: Uncertain significance for Osteogenesis imperfecta type I. Last evaluated: 2025-07-30. Review status: criteria provided, single submitter. Criteria: Invitae Variant Classification Sherloc (09022015). Collection method: clinical testing. Allele origin: germline.
Comment: This sequence change replaces serine, which is neutral and polar, with proline, which is neutral and non-polar, at codon 1267 of the COL1A1 protein (p.Ser1267Pro). This variant is not present in population databases (gnomAD no frequency). This variant has not been reported in the literature in individuals affected with COL1A1-related conditions. Invitae Evidence Modeling of protein sequence and biophysical properties (such as structural, functional, and spatial information, amino acid conservation, physicochemical variation, residue mobility, and thermodynamic stability) indicates that this missense variant is not expected to disrupt COL1A1 protein function with a negative predictive value of 95%. In summary, the available evidence is currently insufficient to determine the role of this variant in disease. Therefore, it has been classified as a Variant of Uncertain Significance.